The following is an entry in ClinVar:

ClinVar aggregate classification (germline): Uncertain significance (1 of 4 stars; one submission).

Submission:

GeneDx
Classification: Uncertain significance. Last evaluated: 2024-08-23. Review status: criteria provided, single submitter. Criteria: GeneDx Variant Classification Process June 2021. Collection method: clinical testing. Allele origin: germline. Affected: yes.
Comment: Not observed at significant frequency in large population cohorts (gnomAD); In silico analysis supports that this missense variant has a deleterious effect on protein structure/function; Has not been previously published as pathogenic or benign to our knowledge

NM_023110.3(FGFR1):c.157C>T (p.Leu53Phe)

Gene: FGFR1 (fibroblast growth factor receptor 1; minus strand). Cytogenetic location: 8p11.23.
Variant type: single nucleotide variant.
Coding change: c.157C>T on transcript NM_023110.3 (MANE Select); coding-DNA position 157, C replaced by T.
Protein change: p.Leu53Phe; replaces leucine 53 with phenylalanine.
Molecular consequence: missense variant. On other transcripts: intron variant (5).
Genome position (GRCh38, 1-based): chr8:38,429,883, G>A on the plus strand (C>T on the coding strand, the complement: FGFR1 is on the minus strand). VCF-style: chr8-38429883-G-A. GRCh37 (hg19) VCF-style: chr8-38287401-G-A.
Other names: c.157C>T, p.Leu53Phe (NM_001174063.2, NM_001174065.2, NM_001354367.2 and 3 more transcripts); c.133C>T, p.Leu45Phe (NM_001174064.2); c.256C>T, p.Leu86Phe (NM_001174067.2); c.92-1448C>T (NM_001354368.2, NM_001354370.2, NM_023106.3 and 2 more transcripts); short protein forms L45F, L53F, L86F.
Identifiers: ClinVar variation 3764478 (VCV003764478.1).